The following is an entry in ClinVar:

NM_004553.6(NDUFS6):c.310-15T>C

Gene: NDUFS6 (NADH:ubiquinone oxidoreductase subunit S6; plus strand). Cytogenetic location: 5p15.33.
Variant type: single nucleotide variant.
Coding change: c.310-15T>C on transcript NM_004553.6 (MANE Select); 15 bases into the intron before coding-DNA position 310, T replaced by C.
Molecular consequence: intron variant.
Genome position (GRCh38, 1-based): chr5:1,815,836, T>C. VCF-style: chr5-1815836-T-C. GRCh37 (hg19) VCF-style: chr5-1815950-T-C.
Identifiers: ClinVar variation 353193 (VCV000353193.19), dbSNP rs10058270, ClinGen allele CA3187709.

ClinVar aggregate classification (germline): Benign. Review status: criteria provided, multiple submitters, no conflicts (2 of 4 stars). 5 submissions from 5 submitters: Benign (5). Last evaluated 2026-02-04.

Conditions:
Mitochondrial complex I deficiency, nuclear type 1. Also called: NADH-COENZYME Q REDUCTASE DEFICIENCY; MITOCHONDRIAL NADH DEHYDROGENASE COMPONENT OF COMPLEX I, DEFICIENCY OF. Identifiers: MedGen C6022305, MONDO:0100224, OMIM 252010.
Mitochondrial complex I deficiency, nuclear type 9. Also called: Mitochondrial complex 1 deficiency, nuclear type 9. Identifiers: MedGen C4748767, MONDO:0032615, OMIM 618232.

Allele frequency attached by ClinVar (database versions not stated): gnomAD exomes 0.03789 and 0.04893; ExAC 0.05446; gnomAD 0.10426 and 0.10920; TOPMed 0.11586; ESP Exome Variant Server 0.11856; 1000 Genomes Project 0.11921; 1000 Genomes Project 30x 0.12523.
gnomAD v4.1: 71,656 of 1,613,510 alleles (4.4%); highest among the groups gnomAD compares: African/African-American, 30%; 4,591 homozygotes.

Submissions (5):

Labcorp Genetics (formerly Invitae), Labcorp
Classification: Benign. Last evaluated: 2026-02-04. Review status: criteria provided, single submitter. Criteria: Invitae Variant Classification Sherloc (09022015). Collection method: clinical testing. Allele origin: germline.

Genome-Nilou Lab
Classification: Benign for Mitochondrial complex I deficiency, nuclear type 9. Last evaluated: 2021-07-10. Review status: criteria provided, single submitter. Criteria: ACMG Guidelines, 2015. Collection method: clinical testing. Allele origin: germline. Affected: no.

Illumina Laboratory Services, Illumina
Classification: Benign for Mitochondrial complex I deficiency, nuclear type 1. Last evaluated: 2018-01-13. Review status: criteria provided, single submitter. Criteria: ICSL Variant Classification Criteria 13 December 2019. Collection method: clinical testing. Allele origin: germline.
Comment: This variant was observed in the ICSL laboratory as part of a predisposition screen in an ostensibly healthy population. It had not been previously curated by ICSL or reported in the Human Gene Mutation Database (HGMD: prior to June 1st, 2018), and was therefore a candidate for classification through an automated scoring system. Utilizing variant allele frequency, disease prevalence and penetrance estimates, and inheritance mode, an automated score was calculated to assess if this variant is too frequent to cause the disease. Based on the score and internal cut-off values, a variant classified as benign is not then subjected to further curation. The score for this variant resulted in a classification of benign for this disease.

GeneDx
Classification: Benign. Last evaluated: 2015-03-03. Review status: criteria provided, single submitter. Criteria: GeneDx Variant Classification Process June 2021. Collection method: clinical testing. Allele origin: germline. Affected: yes.

Breakthrough Genomics
Classification: Benign. Review status: criteria provided, single submitter. Criteria: ACMG Guidelines, 2015. Collection method: not provided. Allele origin: germline. Inheritance: Autosomal recessive inheritance. Affected: yes.